The following is an entry in ClinVar:

NM_021147.5(CCNO):c.575T>G (p.Val192Gly)

Gene: CCNO (cyclin O; minus strand). Cytogenetic location: 5q11.2.
Variant type: single nucleotide variant.
Coding change: c.575T>G on transcript NM_021147.5 (MANE Select); coding-DNA position 575, T replaced by G.
Protein change: p.Val192Gly; replaces valine 192 with glycine.
Molecular consequence: missense variant. On other transcripts: non-coding transcript variant (3).
Genome position (GRCh38, 1-based): chr5:55,231,853, A>C on the plus strand (T>G on the coding strand, the complement: CCNO is on the minus strand). VCF-style: chr5-55231853-A-C. GRCh37 (hg19) VCF-style: chr5-54527681-A-C.
Other names: short protein forms V192G.
Identifiers: ClinVar variation 2970801 (VCV002970801.3), dbSNP rs998170955, ClinGen allele CA118943138.
Genomic context (GRCh38, chr5:55,231,853, plus strand): 5'-TGCTGCCGGGAGAAGGCGCCGCAGCAGAGGGCCAGAAGCTGCTTCACGCGCGGCGGGTGC[A>C]CCTCCACCTGCAACACAGGGCGCACTCAACCCCGCTTTGCGGCTTCCCGGGCCCCAGGCC-3'
Protein context (NP_066970.3, residues 182-202): SLLIACKQVE[Val192Gly]HPPRVKQLLA

ClinVar aggregate classification (germline): Uncertain significance (1 of 4 stars; one submission).

Conditions:
Primary ciliary dyskinesia. Also called: Ciliary dyskinesia. Identifiers: Orphanet 244, MedGen C0008780, MONDO:0016575, HP:0012265.

Submission:

Labcorp Genetics (formerly Invitae), Labcorp
Classification: Uncertain significance for Primary ciliary dyskinesia. Last evaluated: 2024-06-03. Review status: criteria provided, single submitter. Criteria: Invitae Variant Classification Sherloc (09022015). Collection method: clinical testing. Allele origin: germline.
Comment: This sequence change replaces valine, which is neutral and non-polar, with glycine, which is neutral and non-polar, at codon 192 of the CCNO protein (p.Val192Gly). This variant is not present in population databases (gnomAD no frequency). This variant has not been reported in the literature in individuals affected with CCNO-related conditions. Advanced modeling of protein sequence and biophysical properties (such as structural, functional, and spatial information, amino acid conservation, physicochemical variation, residue mobility, and thermodynamic stability) has been performed at Invitae for this missense variant, however the output from this modeling did not meet the statistical confidence thresholds required to predict the impact of this variant on CCNO protein function. In summary, the available evidence is currently insufficient to determine the role of this variant in disease. Therefore, it has been classified as a Variant of Uncertain Significance.